The following is an entry in ClinVar:

ClinVar aggregate classification (germline): Benign. Review status: criteria provided, multiple submitters, no conflicts (2 of 4 stars). 7 submissions from 7 submitters: Benign (5). 2 of the submissions do not count toward it. Last evaluated 2026-02-01.

Conditions:
BCKDHA-related disorder. Also called: BCKDHA-related condition.
Maple syrup urine disease type 1A (MSUD1A). Also called: MSUD type 1A. Identifiers: MedGen C1855369, MONDO:0023691, OMIM 248600.
Maple syrup urine disease (MSUD). Identifiers: Orphanet 511, MedGen C0024776, MeSH D008375, MONDO:0009563. Disease mechanism: loss of function.

Allele frequency attached by ClinVar (database versions not stated): ExAC 0.00482; 1000 Genomes Project 30x 0.00640; 1000 Genomes Project 0.00559; gnomAD 0.00298 and 0.00306; TOPMed 0.00529; ESP Exome Variant Server 0.00062.

Submissions (15):

Labcorp Genetics (formerly Invitae), Labcorp
Classification: Benign for Maple syrup urine disease. Last evaluated: 2026-02-01. Review status: criteria provided, single submitter. Criteria: Invitae Variant Classification Sherloc (09022015). Collection method: clinical testing. Allele origin: germline.

Illumina Laboratory Services, Illumina
Classification: Benign for Maple syrup urine disease type 1A. Last evaluated: 2018-01-13. Review status: criteria provided, single submitter. Criteria: ICSL Variant Classification Criteria 13 December 2019. Collection method: clinical testing. Allele origin: germline.
Comment: This variant was observed in the ICSL laboratory as part of a predisposition screen in an ostensibly healthy population. It had not been previously curated by ICSL or reported in the Human Gene Mutation Database (HGMD: prior to June 1st, 2018), and was therefore a candidate for classification through an automated scoring system. Utilizing variant allele frequency, disease prevalence and penetrance estimates, and inheritance mode, an automated score was calculated to assess if this variant is too frequent to cause the disease. Based on the score and internal cut-off values, a variant classified as benign is not then subjected to further curation. The score for this variant resulted in a classification of benign for this disease.

Center for Pediatric Genomic Medicine, Children's Mercy Hospital and Clinics
Classification: Benign. Last evaluated: 2017-06-16. Review status: criteria provided, single submitter. Criteria: ACMG Guidelines, 2015. Collection method: clinical testing. Allele origin: germline.

GeneDx
Classification: Benign. Last evaluated: 2016-02-08. Review status: criteria provided, single submitter. Criteria: GeneDx Variant Classification (06012015). Collection method: clinical testing. Allele origin: germline. Affected: yes.
Comment: This variant is considered likely benign or benign based on one or more of the following criteria: it is a conservative change, it occurs at a poorly conserved position in the protein, it is predicted to be benign by multiple in silico algorithms, and/or has population frequency not consistent with disease.

Eurofins Ntd Llc (ga)
Classification: Benign. Last evaluated: 2015-10-20. Review status: criteria provided, single submitter. Criteria: EGL Classification Definitions 2015. Collection method: clinical testing. Allele origin: germline. Observed: 3 variant alleles, 3 heterozygotes.

PreventionGenetics, part of Exact Sciences
Classification: Benign for BCKDHA-related condition. Last evaluated: 2021-10-13. Review status: no assertion criteria provided. Collection method: clinical testing. Allele origin: germline. Not counted in ClinVar's aggregate classification.
Comment: This variant is classified as benign based on ACMG/AMP sequence variant interpretation guidelines (Richards et al. 2015 PMID: 25741868, with internal and published modifications).

Natera, Inc.
Classification: Benign for Maple syrup urine disease type 1A. Last evaluated: 2020-09-16. Review status: no assertion criteria provided. Collection method: clinical testing. Allele origin: germline. Not counted in ClinVar's aggregate classification.

Dr. Peter K. Rogan Lab, Western University
No classification provided (evidence only). Condition: Familial cancer of breast. Review status: no classification provided. Collection method: in vitro. Allele origin: not applicable. Functional consequence: skipped exon. Not counted in ClinVar's aggregate classification.

Dr. Peter K. Rogan Lab, Western University
No classification provided (evidence only). Condition: Acute myeloid leukemia. Review status: no classification provided. Collection method: in vitro. Allele origin: not applicable. Functional consequence: skipped exon. Not counted in ClinVar's aggregate classification.

Dr. Peter K. Rogan Lab, Western University
No classification provided (evidence only). Condition: Cervical cancer. Review status: no classification provided. Collection method: in vitro. Allele origin: not applicable. Functional consequence: skipped exon. Not counted in ClinVar's aggregate classification.

Dr. Peter K. Rogan Lab, Western University
No classification provided (evidence only). Condition: Cervical cancer. Review status: no classification provided. Collection method: in vitro. Allele origin: not applicable. Functional consequence: skipped exon. Not counted in ClinVar's aggregate classification.

Dr. Peter K. Rogan Lab, Western University
No classification provided (evidence only). Condition: Cervical cancer. Review status: no classification provided. Collection method: in vitro. Allele origin: not applicable. Functional consequence: skipped exon. Not counted in ClinVar's aggregate classification.

Dr. Peter K. Rogan Lab, Western University
No classification provided (evidence only). Condition: Cervical cancer. Review status: no classification provided. Collection method: in vitro. Allele origin: not applicable. Functional consequence: skipped exon. Not counted in ClinVar's aggregate classification.

Dr. Peter K. Rogan Lab, Western University
No classification provided (evidence only). Condition: Nonpapillary renal cell carcinoma. Review status: no classification provided. Collection method: in vitro. Allele origin: not applicable. Functional consequence: skipped exon. Not counted in ClinVar's aggregate classification.

Dr. Peter K. Rogan Lab, Western University
No classification provided (evidence only). Condition: Adrenocortical carcinoma, hereditary. Review status: no classification provided. Collection method: in vitro. Allele origin: not applicable. Functional consequence: skipped exon. Not counted in ClinVar's aggregate classification.

NM_000709.4(BCKDHA):c.484+5G>A

Gene: BCKDHA (branched chain keto acid dehydrogenase E1 subunit alpha; plus strand). Cytogenetic location: 19q13.2.
Variant type: single nucleotide variant.
Coding change: c.484+5G>A on transcript NM_000709.4 (MANE Select); 5 bases into the intron after coding-DNA position 484, G replaced by A.
Molecular consequence: intron variant.
Genome position (GRCh38, 1-based): chr19:41,414,162, G>A. VCF-style: chr19-41414162-G-A. GRCh37 (hg19) VCF-style: chr19-41920067-G-A.
Other names: c.484+5G>A (NM_001164783.2).
Identifiers: ClinVar variation 93362 (VCV000093362.24), dbSNP rs149899007, ClinGen allele CA221202.